The following is an entry in ClinVar:

ClinVar aggregate classification (germline): Pathogenic (1 of 4 stars; one submission).

Allele frequency attached by ClinVar (database versions not stated): gnomAD exomes below 0.00001.

Submission:

GeneDx
Classification: Pathogenic. Last evaluated: 2013-09-30. Review status: criteria provided, single submitter. Criteria: GeneDx Variant Classification (06012015). Collection method: clinical testing. Allele origin: germline. Affected: yes.
Comment: p.Met1? (ATG>ACG): c.2 T>C in exon 1 of the NDUFS7 gene (NM_024407.4). The c.2 T>C mutation in the NDUFS7 gene alters the initiator Methionine codon and the resultant protein would be described as p.Met1?" using a question mark to signify that it is not known if the loss of Met1 means that all protein translation is completely prevented or if an abnormal protein is produced using an alternate Met. Although this mutation has not been reported previously to our knowledge, it is expected to be pathogenic. The variant is found in LSME-MITOP panel(s)."

NM_024407.5(NDUFS7):c.2T>C (p.Met1Thr)

Gene: NDUFS7 (NADH:ubiquinone oxidoreductase core subunit S7; plus strand). Cytogenetic location: 19p13.3.
Variant type: single nucleotide variant.
Coding change: c.2T>C on transcript NM_024407.5 (MANE Select); coding-DNA position 2, T replaced by C.
Protein change: p.Met1Thr; changes the start codon (methionine 1).
Molecular consequence: missense variant, initiator codon variant.
Genome position (GRCh38, 1-based): chr19:1,383,928, T>C. VCF-style: chr19-1383928-T-C. GRCh37 (hg19) VCF-style: chr19-1383927-T-C.
Other names: c.2T>C, p.Met1Thr (NM_001363602.2); short protein forms M1T.
Identifiers: ClinVar variation 214831 (VCV000214831.3), dbSNP rs863224113, ClinGen allele CA322859.